The following is an entry in ClinVar:

NM_001614.5(ACTG1):c.774G>A (p.Pro258=)

Gene: ACTG1 (actin gamma 1; minus strand). Cytogenetic location: 17q25.3.
Variant type: single nucleotide variant.
Coding change: c.774G>A on transcript NM_001614.5 (MANE Select); coding-DNA position 774, G replaced by A.
Protein change: p.Pro258=; no amino-acid change (proline 258 retained).
Molecular consequence: synonymous variant. On other transcripts: non-coding transcript variant (1).
Genome position (GRCh38, 1-based): chr17:81,511,216, C>T on the plus strand (G>A on the coding strand, the complement: ACTG1 is on the minus strand). VCF-style: chr17-81511216-C-T. GRCh37 (hg19) VCF-style: chr17-79478242-C-T.
Other names: c.774G>A, p.Pro258= (NM_001199954.3).
Identifiers: ClinVar variation 227170 (VCV000227170.44), dbSNP rs61997068, ClinGen allele CA8835999.
Genomic context (GRCh38, chr17:81,511,216, plus strand): 5'-AAGAGTAGAAACCTTTAGCTCACAACACCTACCCAGGAAGGAAGGCTGGAACAGCGCCTC[C>T]GGACACCGGAACCGCTCATTGCCAATGGTGATGACCTGGCCATCGGGCAGCTCGTAGCTC-3'
Protein context (NP_001605.1, residues 248-268): ITIGNERFRC[Pro258=]EALFQPSFLG

ClinVar aggregate classification (germline): Benign/Likely benign. Review status: criteria provided, multiple submitters, no conflicts (2 of 4 stars). 8 submissions from 7 submitters: Benign (5); Likely benign (3). Last evaluated 2026-01-28.

Conditions:
Autosomal dominant nonsyndromic hearing loss 20. Identifiers: Orphanet 90635, MedGen C1858172, MONDO:0011480, OMIM 604717.
Baraitser-winter syndrome 2. Identifiers: Orphanet 2995, MedGen C3281235, MONDO:0013812, OMIM 614583.

Allele frequency attached by ClinVar (database versions not stated): gnomAD 0.00053 and 0.00056; ESP Exome Variant Server 0.00062; TOPMed 0.00062; ExAC 0.00064; gnomAD exomes 0.00071; 1000 Genomes Project 30x 0.00094; 1000 Genomes Project 0.00100.

Submissions (8):

Labcorp Genetics (formerly Invitae), Labcorp
Classification: Benign for Baraitser-winter syndrome 2; Autosomal dominant nonsyndromic hearing loss 20. Last evaluated: 2026-01-28. Review status: criteria provided, single submitter. Criteria: Invitae Variant Classification Sherloc (09022015). Collection method: clinical testing. Allele origin: germline.

Blueprint Genetics
Classification: Likely benign. Last evaluated: 2024-11-25. Review status: criteria provided, single submitter. Criteria: ACMG Guidelines, 2015. Collection method: clinical testing. Allele origin: germline.

CeGaT Center for Human Genetics Tuebingen
Classification: Likely benign. Last evaluated: 2024-03-01. Review status: criteria provided, single submitter. Criteria: CeGaT Center For Human Genetics Tuebingen Variant Classification Criteria Version 2. Collection method: clinical testing. Allele origin: germline. Affected: yes. Observed: 3 variant alleles.
Comment: ACTG1: BP4, BP7, BS1

Genome-Nilou Lab
Classification: Benign for Baraitser-winter syndrome 2. Last evaluated: 2021-12-05. Review status: criteria provided, single submitter. Criteria: ACMG Guidelines, 2015. Collection method: clinical testing. Allele origin: germline. Affected: no.

Genome-Nilou Lab
Classification: Benign for Autosomal dominant nonsyndromic hearing loss 20. Last evaluated: 2021-12-05. Review status: criteria provided, single submitter. Criteria: ACMG Guidelines, 2015. Collection method: clinical testing. Allele origin: germline. Affected: no.

GeneDx
Classification: Benign. Last evaluated: 2019-10-09. Review status: criteria provided, single submitter. Criteria: GeneDx Variant Classification Process June 2021. Collection method: clinical testing. Allele origin: germline. Affected: yes.

Athena Diagnostics
Classification: Benign. Last evaluated: 2018-12-06. Review status: criteria provided, single submitter. Criteria: Athena Diagnostics Criteria. Collection method: clinical testing. Allele origin: germline.

Laboratory for Molecular Medicine, Mass General Brigham Personalized Medicine
Classification: Likely benign. Last evaluated: 2015-01-28. Review status: criteria provided, single submitter. Criteria: LMM Criteria. Collection method: clinical testing. Allele origin: germline. Observed: 1 variant allele.
Comment: p.Pro258Pro in exon 4 of ACTG1: This variant is not expected to have clinical si gnificance because it does not alter an amino acid residue, is not located withi n the splice consensus sequence, and has been identified in 65/65542 European ch romosomes by the Exome Aggregation Consortium (ExAC. org; dbSNP rs61997068).